The following is an entry in ClinVar:

ClinVar aggregate classification (germline): Uncertain significance (1 of 4 stars; one submission).

Conditions:
Autosomal recessive limb-girdle muscular dystrophy type 2P. Also called: MUSCULAR DYSTROPHY-DYSTROGLYCANOPATHY, LIMB-GIRDLE, DAG1-RELATED; Limb-Girdle Muscular Dystrophy Type 9C; MUSCULAR DYSTROPHY, LIMB-GIRDLE, TYPE 2P. Identifiers: Orphanet 280333, MedGen C4511963, MONDO:0013440, OMIM 613818.
Muscular dystrophy-dystroglycanopathy (congenital with brain and eye anomalies), type A9. Also called: Muscular dystrophy-dystroglycanopathy (congenital with brain and eye anomalies), type a, 9; WALKER-WARBURG SYNDROME OR MUSCLE-EYE BRAIN DISEASE, DAG1-RELATED. Identifiers: Orphanet 370997, Orphanet 899, MedGen C4225291, MONDO:0014683, OMIM 616538.

Submission:

Labcorp Genetics (formerly Invitae), Labcorp
Classification: Uncertain significance for Autosomal recessive limb-girdle muscular dystrophy type 2P; Muscular dystrophy-dystroglycanopathy (congenital with brain and eye anomalies), type A9. Last evaluated: 2024-10-23. Review status: criteria provided, single submitter. Criteria: Invitae Variant Classification Sherloc (09022015). Collection method: clinical testing. Allele origin: germline.
Comment: This sequence change replaces lysine, which is basic and polar, with arginine, which is basic and polar, at codon 777 of the DAG1 protein (p.Lys777Arg). This variant is not present in population databases (gnomAD no frequency). This variant has not been reported in the literature in individuals affected with DAG1-related conditions. ClinVar contains an entry for this variant (Variation ID: 1389970). Invitae Evidence Modeling of protein sequence and biophysical properties (such as structural, functional, and spatial information, amino acid conservation, physicochemical variation, residue mobility, and thermodynamic stability) indicates that this missense variant is not expected to disrupt DAG1 protein function with a negative predictive value of 80%. In summary, the available evidence is currently insufficient to determine the role of this variant in disease. Therefore, it has been classified as a Variant of Uncertain Significance.

NM_004393.6(DAG1):c.2330A>G (p.Lys777Arg)

Gene: DAG1 (dystroglycan 1; plus strand). Cytogenetic location: 3p21.31.
Variant type: single nucleotide variant.
Coding change: c.2330A>G on transcript NM_004393.6 (MANE Select); coding-DNA position 2330, A replaced by G.
Protein change: p.Lys777Arg; replaces lysine 777 with arginine.
Molecular consequence: missense variant.
Genome position (GRCh38, 1-based): chr3:49,532,841, A>G. VCF-style: chr3-49532841-A-G. GRCh37 (hg19) VCF-style: chr3-49570274-A-G.
Other names: c.2330A>G, p.Lys777Arg (NM_001177643.3, NM_001177644.3, NM_001165928.4 and 9 more transcripts); short protein forms K777R.
Identifiers: ClinVar variation 1389970 (VCV001389970.6), dbSNP rs2107954269, ClinGen allele CA352797519.